The following is an entry in ClinVar:

NM_001035.3(RYR2):c.9634G>A (p.Glu3212Lys)

Gene: RYR2 (ryanodine receptor 2; plus strand). Cytogenetic location: 1q43.
Variant type: single nucleotide variant.
Coding change: c.9634G>A on transcript NM_001035.3 (MANE Select); coding-DNA position 9634, G replaced by A.
Protein change: p.Glu3212Lys; replaces glutamic acid 3212 with lysine.
Molecular consequence: missense variant.
Genome position (GRCh38, 1-based): chr1:237,707,002, G>A. VCF-style: chr1-237707002-G-A. GRCh37 (hg19) VCF-style: chr1-237870302-G-A.
Other names: short protein forms E3212K.
Identifiers: ClinVar variation 3372385 (VCV003372385.1).
Genomic context (GRCh38, chr1:237,707,002, plus strand): 5'-TCTCCAGCTCTCAGTTTGCCAACTAATGTGGAAGATGTTTGTCCAAACATACCGTCTTTG[G>A]AGAAACTCATGGAAGAAATCGTGGAATTAGCCGAGTCCGGCATTCGCTACACTCAAATGC-3'
Protein context (NP_001026.2, residues 3202-3222): EDVCPNIPSL[Glu3212Lys]KLMEEIVELA

ClinVar aggregate classification (germline): Uncertain significance (1 of 4 stars; one submission).

Submission:

GeneDx
Classification: Uncertain significance. Last evaluated: 2024-04-12. Review status: criteria provided, single submitter. Criteria: GeneDx Variant Classification Process June 2021. Collection method: clinical testing. Allele origin: germline. Affected: yes.
Comment: Has not been previously published as pathogenic or benign to our knowledge; Not observed at significant frequency in large population cohorts (gnomAD); In silico analysis supports that this missense variant has a deleterious effect on protein structure/function; Not located in one of the three hot-spot regions of the RYR2 gene, where the majority of pathogenic missense variants occur (PMID: 19926015); This variant is associated with the following publications: (PMID: 19926015)